The following is an entry in ClinVar:

NM_001267550.2(TTN):c.95683A>G (p.Ser31895Gly)

Genes: TTN (titin; minus strand), TTN-AS1 (TTN antisense RNA 1; plus strand). Cytogenetic location: 2q31.2.
Variant type: single nucleotide variant.
Coding change: c.95683A>G on transcript NM_001267550.2 (MANE Select); coding-DNA position 95683, A replaced by G.
Protein change: p.Ser31895Gly; replaces serine 31895 with glycine.
Molecular consequence: missense variant.
Genome position (GRCh38, 1-based): chr2:178,545,427, T>C on the plus strand (A>G on the coding strand, the complement: TTN is on the minus strand). VCF-style: chr2-178545427-T-C. GRCh37 (hg19) VCF-style: chr2-179410154-T-C.
Other names: c.90760A>G, p.Ser30254Gly (NM_001256850.1); c.68488A>G, p.Ser22830Gly (NM_003319.4); c.87979A>G, p.Ser29327Gly (NM_133378.4); c.68863A>G, p.Ser22955Gly (NM_133432.3); c.69064A>G, p.Ser23022Gly (NM_133437.4); short protein forms S22830G, S22955G, S23022G, S29327G, S30254G, S31895G.
Identifiers: ClinVar variation 3894979 (VCV003894979.11), dbSNP rs775090787.

ClinVar aggregate classification (germline): Conflicting classifications of pathogenicity. Review status: criteria provided, conflicting classifications (1 of 4 stars). 2 submissions from 2 submitters: Uncertain significance (1); Likely benign (1). Last evaluated 2025-06-01.

gnomAD v4.1: 4 of 1,600,396 alleles (0.00025%); highest among the groups gnomAD compares: African/African-American, 0.0027%; no homozygotes.

Submissions (2):

CeGaT Center for Human Genetics Tuebingen
Classification: Uncertain significance. Last evaluated: 2025-06-01. Review status: criteria provided, single submitter. Criteria: CeGaT Center For Human Genetics Tuebingen Variant Classification Criteria Version 2. Collection method: clinical testing. Allele origin: germline. Affected: yes. Observed: 1 variant allele.
Comment: TTN: PM2

Molecular Diagnostic Laboratory for Inherited Cardiovascular Disease, Montreal Heart Institute
Classification: Likely benign. Last evaluated: 2025-04-09. Review status: criteria provided, single submitter. Criteria: ACMG Guidelines, 2015. Collection method: clinical testing. Allele origin: germline. Affected: no.